The following is an entry in ClinVar:

ClinVar aggregate classification (germline): Likely pathogenic (1 of 4 stars; one submission).

Submission:

Labcorp Genetics (formerly Invitae), Labcorp
Classification: Likely pathogenic. Last evaluated: 2023-12-25. Review status: criteria provided, single submitter. Criteria: Invitae Variant Classification Sherloc (09022015). Collection method: clinical testing. Allele origin: germline.
Comment: This sequence change affects an acceptor splice site in intron 19 of the AEBP1 gene. It is expected to disrupt RNA splicing. Variants that disrupt the donor or acceptor splice site typically lead to a loss of protein function (PMID: 16199547), and loss-of-function variants in AEBP1 are known to be pathogenic (PMID: 29606302). This variant is not present in population databases (gnomAD no frequency). This variant has not been reported in the literature in individuals affected with AEBP1-related conditions. Algorithms developed to predict the effect of sequence changes on RNA splicing suggest that this variant may disrupt the consensus splice site. In summary, the currently available evidence indicates that the variant is pathogenic, but additional data are needed to prove that conclusively. Therefore, this variant has been classified as Likely Pathogenic.

Literature cited by the submitters: PubMed 16199547; PubMed 29606302.

NM_001129.5(AEBP1):c.2710-2A>G

Gene: AEBP1 (AE binding protein 1; plus strand). Cytogenetic location: 7p13.
Variant type: single nucleotide variant.
Coding change: c.2710-2A>G on transcript NM_001129.5 (MANE Select); the canonical splice acceptor site of the intron before coding-DNA position 2710, A replaced by G.
Molecular consequence: splice acceptor variant.
Genome position (GRCh38, 1-based): chr7:44,113,250, A>G. VCF-style: chr7-44113250-A-G. GRCh37 (hg19) VCF-style: chr7-44152849-A-G.
Identifiers: ClinVar variation 2705404 (VCV002705404.3), dbSNP rs2096231961, ClinGen allele CA367372479.